The following is an entry in ClinVar:

ClinVar aggregate classification (germline): Uncertain significance. Review status: criteria provided, multiple submitters, no conflicts (2 of 4 stars). 3 submissions from 3 submitters: Uncertain significance (3). Last evaluated 2024-08-26.

Conditions:
Hereditary cancer-predisposing syndrome. Also called: Tumor predisposition; Hereditary Cancer Syndrome; Hereditary neoplastic syndrome; Neoplastic Syndromes, Hereditary. Identifiers: Orphanet 140162, MedGen C0027672, MeSH D009386, MONDO:0015356.
Renal cell carcinoma. Identifiers: Orphanet 217071, MedGen C0007134, MeSH D002292, MONDO:0005086, HP:0005584.

Submissions (3):

GeneDx
Classification: Uncertain significance. Last evaluated: 2024-08-26. Review status: criteria provided, single submitter. Criteria: GeneDx Variant Classification Process June 2021. Collection method: clinical testing. Allele origin: germline. Affected: yes.
Comment: Not observed at significant frequency in large population cohorts (gnomAD); In silico analysis supports that this missense variant has a deleterious effect on protein structure/function; Has not been previously published as pathogenic or benign to our knowledge

Labcorp Genetics (formerly Invitae), Labcorp
Classification: Uncertain significance for Renal cell carcinoma. Last evaluated: 2024-07-30. Review status: criteria provided, single submitter. Criteria: Invitae Variant Classification Sherloc (09022015). Collection method: clinical testing. Allele origin: germline.
Comment: This sequence change replaces glycine, which is neutral and non-polar, with arginine, which is basic and polar, at codon 1037 of the MET protein (p.Gly1037Arg). This variant is not present in population databases (gnomAD no frequency). This variant has not been reported in the literature in individuals affected with MET-related conditions. ClinVar contains an entry for this variant (Variation ID: 485772). An algorithm developed to predict the effect of missense changes on protein structure and function outputs the following: PolyPhen-2: "Possibly Damaging". The arginine amino acid residue is found in multiple mammalian species, which suggests that this missense change does not adversely affect protein function. In summary, the available evidence is currently insufficient to determine the role of this variant in disease. Therefore, it has been classified as a Variant of Uncertain Significance.

Ambry Genetics
Classification: Uncertain significance for Hereditary cancer-predisposing syndrome. Last evaluated: 2016-06-10. Review status: criteria provided, single submitter. Criteria: Ambry Variant Classification Scheme 2023. Collection method: clinical testing. Allele origin: germline.
Comment: The p.G1037R variant (also known as c.3109G>C), located in coding exon 14 of the MET gene, results from a G to C substitution at nucleotide position 3109. The glycine at codon 1037 is replaced by arginine, an amino acid with dissimilar properties. This variant was not reported in population based cohorts in the following databases: Database of Single Nucleotide Polymorphisms (dbSNP), NHLBI Exome Sequencing Project (ESP), and 1000 Genomes Project. In the ESP, this variant was not observed in 6232 samples (12464 alleles) with coverage at this position. To date, this alteration has been detected with an allele frequency of approximately 0.006% (greater than 20000 alleles tested) in our clinical cohort. This amino acid position is well conserved in available vertebrate species. In addition, the in silico prediction for this alteration is inconclusive. Since supporting evidence is limited at this time, the clinical significance of this alteration remains unclear.

NM_000245.4(MET):c.3055G>C (p.Gly1019Arg)

Gene: MET (MET proto-oncogene, receptor tyrosine kinase; plus strand). Cytogenetic location: 7q31.2.
Variant type: single nucleotide variant.
Coding change: c.3055G>C on transcript NM_000245.4 (MANE Select); coding-DNA position 3055, G replaced by C.
Protein change: p.Gly1019Arg; replaces glycine 1019 with arginine.
Molecular consequence: missense variant.
Genome position (GRCh38, 1-based): chr7:116,774,907, G>C. VCF-style: chr7-116774907-G-C. GRCh37 (hg19) VCF-style: chr7-116414961-G-C.
Other names: c.3109G>C (LRG_662t1); c.3109G>C, p.Gly1037Arg (NM_001127500.3); c.1765G>C, p.Gly589Arg (NM_001324402.2); short protein forms G1037R, G1019R, G589R.
Identifiers: ClinVar variation 485772 (VCV000485772.8), dbSNP rs950642030, ClinGen allele CA368987863.